The following is an entry in ClinVar:

NC_000007.13:g.(?_65556983)_(66460414_?)dup

Genes: ASL (argininosuccinate lyase; plus strand), CRCP (CGRP receptor component; plus strand), KCTD7 (potassium channel tetramerization domain containing 7; plus strand), RABGEF1 (RAB guanine nucleotide exchange factor 1; plus strand), SBDS (SBDS ribosome maturation factor; minus strand) and 2 more. Cytogenetic location: 7q11.21.
Variant type: Duplication.
Identifiers: ClinVar variation 1488532 (VCV001488532.5).

ClinVar aggregate classification (germline): Likely pathogenic (1 of 4 stars; one submission).

Conditions:
Argininosuccinate lyase deficiency. Also called: ARGININOSUCCINIC ACID LYASE DEFICIENCY; ASL DEFICIENCY; Argininosuccinic aciduria. Identifiers: Orphanet 23, MedGen C0268547, MONDO:0008815, OMIM 207900, HP:0025630.

Submission:

Labcorp Genetics (formerly Invitae), Labcorp
Classification: Likely pathogenic for Argininosuccinate lyase deficiency. Last evaluated: 2021-08-04. Review status: criteria provided, single submitter. Criteria: Invitae Variant Classification Sherloc (09022015). Collection method: clinical testing. Allele origin: germline.
Comment: This variant results in a copy number gain of the genomic region encompassing exon(s) 15-17 of the ASL gene. The 5' boundary is likely confined to intron 14. The 3' end of this event is unknown as it extends beyond the assayed region for this gene and therefore may encompass additional genes. As the precise location of this event is unknown, it may be in tandem or it may be located elsewhere in the genome. A similar copy number variant has been observed in individual(s) with clinical features of arginosuccinic aciduria (Invitae). In at least one individual the data is consistent with the variant being in trans (on the opposite chromosome) from a pathogenic variant. In summary, the currently available evidence indicates that the variant is pathogenic, but additional data are needed to prove that conclusively. Therefore, this variant has been classified as Likely Pathogenic.